The following is an entry in ClinVar:

NM_005477.3(HCN4):c.2026G>A (p.Asp676Asn)

Gene: HCN4 (hyperpolarization activated cyclic nucleotide gated potassium channel 4; minus strand). Cytogenetic location: 15q24.1.
Variant type: single nucleotide variant.
Coding change: c.2026G>A on transcript NM_005477.3 (MANE Select); coding-DNA position 2026, G replaced by A.
Protein change: p.Asp676Asn; replaces aspartic acid 676 with asparagine.
Molecular consequence: missense variant.
Genome position (GRCh38, 1-based): chr15:73,324,206, C>T on the plus strand (G>A on the coding strand, the complement: HCN4 is on the minus strand). VCF-style: chr15-73324206-C-T. GRCh37 (hg19) VCF-style: chr15-73616547-C-T.
Other names: c.2026G>A (NM_005477.2); short protein forms D676N.
Identifiers: ClinVar variation 1363184 (VCV001363184.9), dbSNP rs145134839, ClinGen allele CA7649136.
Genomic context (GRCh38, chr15:73,324,206, plus strand): 5'-ACTCCTCCAGCACCTCATTGAAGTTGTCCACGCTCAGCGAGTAGAGGCGGCAGTAGGTGT[C>T]GGCCCTCACGCTGGCTGTGCGCCGGCCCCGGGTCAGCAGGCAGATCTCTGCCAGAGCATC-3'
Protein context (NP_005468.1, residues 666-686): RGRRTASVRA[Asp676Asn]TYCRLYSLSV

ClinVar aggregate classification (germline): Uncertain significance. Review status: criteria provided, multiple submitters, no conflicts (2 of 4 stars). 2 submissions from 2 submitters: Uncertain significance (2). Last evaluated 2024-06-01.

Conditions:
Brugada syndrome 8 (BRGDA8). Identifiers: Orphanet 130, MedGen C2751083, MONDO:0013148, OMIM 613123.
Cardiovascular phenotype. Identifiers: MedGen CN230736.

Allele frequency attached by ClinVar (database versions not stated): gnomAD 0.00001; gnomAD exomes 0.00001 and 0.00002; TOPMed 0.00001; ExAC 0.00002; ESP Exome Variant Server 0.00008.
gnomAD v4.1: 15 of 1,613,936 alleles (0.00093%); highest among the groups gnomAD compares: Middle Eastern, 0.016%; no homozygotes.

Submissions (2):

Labcorp Genetics (formerly Invitae), Labcorp
Classification: Uncertain significance for Brugada syndrome 8. Last evaluated: 2024-06-01. Review status: criteria provided, single submitter. Criteria: Invitae Variant Classification Sherloc (09022015). Collection method: clinical testing. Allele origin: germline.
Comment: This sequence change replaces aspartic acid, which is acidic and polar, with asparagine, which is neutral and polar, at codon 676 of the HCN4 protein (p.Asp676Asn). This variant is present in population databases (rs145134839, gnomAD 0.01%). This variant has not been reported in the literature in individuals affected with HCN4-related conditions. ClinVar contains an entry for this variant (Variation ID: 1363184). Advanced modeling of protein sequence and biophysical properties (such as structural, functional, and spatial information, amino acid conservation, physicochemical variation, residue mobility, and thermodynamic stability) performed at Invitae indicates that this missense variant is not expected to disrupt HCN4 protein function with a negative predictive value of 80%. In summary, the available evidence is currently insufficient to determine the role of this variant in disease. Therefore, it has been classified as a Variant of Uncertain Significance.

Ambry Genetics
Classification: Uncertain significance for Cardiovascular phenotype. Last evaluated: 2023-12-29. Review status: criteria provided, single submitter. Criteria: Ambry Variant Classification Scheme 2023. Collection method: clinical testing. Allele origin: germline.
Comment: The p.D676N variant (also known as c.2026G>A), located in coding exon 7 of the HCN4 gene, results from a G to A substitution at nucleotide position 2026. The aspartic acid at codon 676 is replaced by asparagine, an amino acid with highly similar properties. This amino acid position is conserved. In addition, the in silico prediction for this alteration is inconclusive. Since supporting evidence is limited at this time, the clinical significance of this alteration remains unclear.